The following is an entry in ClinVar:

ClinVar aggregate classification (germline): Likely benign (1 of 4 stars; one submission).

gnomAD v4.1: 147 of 1,609,424 alleles (0.0091%); highest among the groups gnomAD compares: Middle Eastern, 0.062%; 1 homozygote.

Submission:

CeGaT Center for Human Genetics Tuebingen
Classification: Likely benign. Last evaluated: 2026-02-01. Review status: criteria provided, single submitter. Criteria: CeGaT Center For Human Genetics Tuebingen Variant Classification Criteria Version 2. Collection method: clinical testing. Allele origin: germline. Affected: yes. Observed: 1 variant allele.
Comment: TCP1: BS1

NM_030752.3(TCP1):c.478A>G (p.Ile160Val)

Gene: TCP1 (t-complex 1; minus strand). Cytogenetic location: 6q25.3.
Variant type: single nucleotide variant.
Coding change: c.478A>G on transcript NM_030752.3 (MANE Select); coding-DNA position 478, A replaced by G.
Protein change: p.Ile160Val; replaces isoleucine 160 with valine.
Molecular consequence: missense variant.
Genome position (GRCh38, 1-based): chr6:159,785,396, T>C on the plus strand (A>G on the coding strand, the complement: TCP1 is on the minus strand). VCF-style: chr6-159785396-T-C. GRCh37 (hg19) VCF-style: chr6-160206428-T-C.
Other names: c.13A>G, p.Ile5Val (NM_001008897.2); short protein forms I160V, I5V.
Identifiers: ClinVar variation 4821136 (VCV004821136.4).
Genomic context (GRCh38, chr6:159,785,396, plus strand): 5'-AGTCTTATGCTTTAAAAAGTCTAAATTTTATCTGACAACCACAAGGATACATTCCAATGA[T>C]TTTGGAAGACATGGATGTCTTAGCAGCATTAATCAGGCAATCTCTTCCCAGTTCATCTGT-3'
Protein context (NP_110379.2, residues 150-170): NAAKTSMSSK[Ile160Val]IGINGDFFAN